The following is an entry in ClinVar:

NM_000256.3(MYBPC3):c.2965G>T (p.Glu989Ter)

Gene: MYBPC3 (myosin binding protein C3; minus strand). Cytogenetic location: 11p11.2.
Variant type: single nucleotide variant.
Coding change: c.2965G>T on transcript NM_000256.3 (MANE Select); coding-DNA position 2965, G replaced by T.
Protein change: p.Glu989Ter; replaces glutamic acid 989 with a stop codon.
Molecular consequence: nonsense.
Genome position (GRCh38, 1-based): chr11:47,333,951, C>A on the plus strand (G>T on the coding strand, the complement: MYBPC3 is on the minus strand). VCF-style: chr11-47333951-C-A. GRCh37 (hg19) VCF-style: chr11-47355502-C-A.
Other names: short protein forms E989*.
Identifiers: ClinVar variation 164053 (VCV000164053.5), dbSNP rs727503178, ClinGen allele CA013239.
Genomic context (GRCh38, chr11:47,333,951, plus strand): 5'-CCTGGGGGACAGGGAAGGGGGCCAGTCCCACCTGGAAAGGGATGAGAAGGTTCACAGGCT[C>A]CCCGACCTTCTTCTGAATGGTCTGGCGCAGGTGCCTGGGCAGCTGAAGCCGTGGCCGTTC-3'

ClinVar aggregate classification (germline): Likely pathogenic (1 of 4 stars; one submission).

Conditions:
Hypertrophic cardiomyopathy. Also called: HYPERTROPHIC MYOCARDIOPATHY. Identifiers: Orphanet 217569, MedGen C0007194, MeSH D002312, MONDO:0005045, HP:0001639.

Submission:

Laboratory for Molecular Medicine, Mass General Brigham Personalized Medicine
Classification: Likely pathogenic for Hypertrophic cardiomyopathy. Last evaluated: 2021-11-29. Review status: criteria provided, single submitter. Criteria: ACMG Guidelines, 2015. Collection method: clinical testing. Allele origin: germline. Inheritance: Autosomal dominant inheritance.
Comment: proposed classification - variant undergoing re-assessment, contact laboratory